The following is an entry in ClinVar:

NM_017777.4(MKS1):c.1610G>A (p.Arg537His)

Gene: MKS1 (MKS transition zone complex subunit 1; minus strand). Cytogenetic location: 17q22.
Variant type: single nucleotide variant.
Coding change: c.1610G>A on transcript NM_017777.4 (MANE Select); coding-DNA position 1610, G replaced by A.
Protein change: p.Arg537His; replaces arginine 537 with histidine.
Molecular consequence: missense variant. On other transcripts: synonymous variant (1), 3 prime UTR variant (1).
Genome position (GRCh38, 1-based): chr17:58,206,149, C>T on the plus strand (G>A on the coding strand, the complement: MKS1 is on the minus strand). VCF-style: chr17-58206149-C-T. GRCh37 (hg19) VCF-style: chr17-56283510-C-T.
Other names: c.1001G>A, p.Arg334His (NM_001321268.2); c.1527G>A, p.Ala509= (NM_001321269.2); c.*22G>A (NM_001330397.2); short protein forms R537H, R334H.
Identifiers: ClinVar variation 970114 (VCV000970114.7), dbSNP rs771624307, ClinGen allele CA8669059.
Genomic context (GRCh38, chr17:58,206,149, plus strand): 5'-AGGGTTCCAGAGGGGCTCACTAGGTCCTGCGGGAGGCTTTCCCGGGCCTCCTGCATGCGG[C>T]GCCGGGCTCGACGGAAGGCCTCTGTAAGGAAAGGAGATATGCTATTTGGCTGCCATATGG-3'
Protein context (NP_060247.2, residues 527-547): NVLEAFRRAR[Arg537His]RMQEARESLP

ClinVar aggregate classification (germline): Uncertain significance. Review status: criteria provided, single submitter (1 of 4 stars). 2 submissions from 2 submitters: Uncertain significance (1). 1 of the submissions does not count toward it. Last evaluated 2024-02-20.

Conditions:
Meckel-Gruber syndrome. Also called: Dysencephalia splachnocystica; DYSENCEPHALIA SPLANCHNOCYSTICA; GRUBER SYNDROME. Identifiers: Orphanet 564, MedGen C0265215, MONDO:0018921.
Joubert syndrome. Also called: Familial aplasia of the vermis; CEREBELLOPARENCHYMAL DISORDER IV; JOUBERT-BOLTSHAUSER SYNDROME. Identifiers: Orphanet 475, MedGen C5979921, MONDO:0018772.
Meckel syndrome, type 1 (MKS1). Also called: MECKEL-GRUBER SYNDROME, TYPE 1. Identifiers: Orphanet 564, MedGen C3714506, MONDO:0009571, OMIM 249000.

Allele frequency attached by ClinVar (database versions not stated): gnomAD below 0.00001 and 0.00001; gnomAD exomes 0.00001; ExAC 0.00002.
gnomAD v4.1: 15 of 1,613,598 alleles (0.00093%); highest among the groups gnomAD compares: Middle Eastern, 0.016%; no homozygotes.

Submissions (2):

Labcorp Genetics (formerly Invitae), Labcorp
Classification: Uncertain significance for Joubert syndrome; Meckel-Gruber syndrome. Last evaluated: 2024-02-20. Review status: criteria provided, single submitter. Criteria: Invitae Variant Classification Sherloc (09022015). Collection method: clinical testing. Allele origin: germline.
Comment: This sequence change replaces arginine, which is basic and polar, with histidine, which is basic and polar, at codon 537 of the MKS1 protein (p.Arg537His). This variant is present in population databases (rs771624307, gnomAD 0.007%). This variant has not been reported in the literature in individuals affected with MKS1-related conditions. ClinVar contains an entry for this variant (Variation ID: 970114). Advanced modeling of protein sequence and biophysical properties (such as structural, functional, and spatial information, amino acid conservation, physicochemical variation, residue mobility, and thermodynamic stability) performed at Invitae indicates that this missense variant is not expected to disrupt MKS1 protein function with a negative predictive value of 80%. In summary, the available evidence is currently insufficient to determine the role of this variant in disease. Therefore, it has been classified as a Variant of Uncertain Significance.

Natera, Inc.
Classification: Uncertain significance for Meckel syndrome type 1. Last evaluated: 2020-08-26. Review status: no assertion criteria provided. Collection method: clinical testing. Allele origin: germline. Not counted in ClinVar's aggregate classification.